The following is an entry in ClinVar:

ClinVar aggregate classification (germline): Uncertain significance (1 of 4 stars; one submission).

Submission:

GeneDx
Classification: Uncertain significance. Last evaluated: 2024-07-19. Review status: criteria provided, single submitter. Criteria: GeneDx Variant Classification Process June 2021. Collection method: clinical testing. Allele origin: germline. Affected: yes.
Comment: Not observed at significant frequency in large population cohorts (gnomAD); In silico analysis indicates that this missense variant does not alter protein structure/function; Has not been previously published as pathogenic or benign to our knowledge

NM_017635.5(KMT5B):c.2065T>C (p.Phe689Leu)

Gene: KMT5B (lysine methyltransferase 5B; minus strand). Cytogenetic location: 11q13.2.
Variant type: single nucleotide variant.
Coding change: c.2065T>C on transcript NM_017635.5 (MANE Select); coding-DNA position 2065, T replaced by C.
Protein change: p.Phe689Leu; replaces phenylalanine 689 with leucine.
Molecular consequence: missense variant.
Genome position (GRCh38, 1-based): chr11:68,158,281, A>G on the plus strand (T>C on the coding strand, the complement: KMT5B is on the minus strand). VCF-style: chr11-68158281-A-G. GRCh37 (hg19) VCF-style: chr11-67925748-A-G.
Other names: c.1549T>C, p.Phe517Leu (NM_001300907.1, NM_001369428.1, NM_001369429.1 and 4 more transcripts); c.1345T>C, p.Phe449Leu (NM_001300908.2); c.2065T>C, p.Phe689Leu (NM_001369426.1); short protein forms F449L, F517L, F689L.
Identifiers: ClinVar variation 3600773 (VCV003600773.1).